The following is an entry in ClinVar:

ClinVar aggregate classification (germline): Uncertain significance (1 of 4 stars; one submission).

Submission:

Center for Genomic Medicine, Rigshospitalet, Copenhagen University Hospital
Classification: Uncertain significance. Last evaluated: 2025-12-29. Review status: criteria provided, single submitter. Criteria: ACMG Guidelines, 2015. Collection method: clinical testing. Allele origin: germline.
Comment: Classification criteria: PVS1_Moderate, PM2_Supporting

Literature cited by the submitters: PubMed 38991192.

NM_182918.4(ERG):c.1236dup (p.Ser413fs)

Gene: ERG (ETS transcription factor ERG; minus strand). Cytogenetic location: 21q22.2.
Variant type: Duplication.
Coding change: c.1236dup on transcript NM_182918.4 (MANE Select); coding-DNA position 1236, one base duplicated (C; older notation c.1236dupC).
Protein change: p.Ser413fs; shifts the reading frame from serine 413.
Molecular consequence: frameshift variant. On other transcripts: intron variant (1).
Genome position (GRCh38, 1-based): chr21:38,383,607, G duplicated on the plus strand (C on the coding strand, the reverse complement: ERG is on the minus strand); the first of 4 consecutive G bases (chr21:38,383,607-38,383,610); duplicating any one gives the same sequence. VCF-style (leftmost placement, unchanged base first): chr21-38383606-A-AG. GRCh37 (hg19) VCF-style: chr21-39755528-A-AG.
Other names: c.1236dupC (NM_182918.4); c.1257dup, p.Ser420fs (NM_001136154.1, NM_001243428.1); c.960dup, p.Ser321fs (NM_001136155.1); c.888dup, p.Ser297fs (NM_001243429.1); c.1164dup, p.Ser389fs (NM_001331025.2); c.1185dup, p.Ser396fs (NM_004449.4); c.940+7388dup (NM_001243432.2); short protein forms S297fs, S321fs, S389fs, S396fs, S413fs, S420fs.
Identifiers: ClinVar variation 4539041 (VCV004539041.1).
Genomic context (GRCh38, chr21:38,383,606, plus strand): 5'-GCGCCACAAAGTTCATCTTCTGTGGGTGGGCGTGATAGGAGCCCATGTACGGGAGGTCTG[A>AG]GGGGTACTTGTACAGAGATGACTCCGGGGGGTGGGGCTGGAGGGCCTGGGCGATCCCGTG-3'